The following is an entry in ClinVar:

NM_000393.5(COL5A2):c.2891G>C (p.Gly964Ala)

Gene: COL5A2 (collagen type V alpha 2 chain; minus strand). Cytogenetic location: 2q32.2.
Variant type: single nucleotide variant.
Coding change: c.2891G>C on transcript NM_000393.5 (MANE Select); coding-DNA position 2891, G replaced by C.
Protein change: p.Gly964Ala; replaces glycine 964 with alanine.
Molecular consequence: missense variant.
Genome position (GRCh38, 1-based): chr2:189,051,360, C>G on the plus strand (G>C on the coding strand, the complement: COL5A2 is on the minus strand). VCF-style: chr2-189051360-C-G. GRCh37 (hg19) VCF-style: chr2-189916086-C-G.
Other names: p.Gly964Ala; c.2891G>C (NM_000393.3); short protein forms G964A.
Identifiers: ClinVar variation 3379401 (VCV003379401.4).

ClinVar aggregate classification (germline): Uncertain significance. Review status: criteria provided, multiple submitters, no conflicts (2 of 4 stars). 3 submissions from 3 submitters: Uncertain significance (3). Last evaluated 2024-12-19.

Conditions:
Ehlers-Danlos syndrome, classic type, 1 (EDSCL1). Also called: EHLERS-DANLOS SYNDROME, GRAVIS TYPE; EHLERS-DANLOS SYNDROME, SEVERE CLASSIC TYPE; Ehlers-Danlos syndrome, type 1; Ehlers-Danlos Syndrome, Classic Type, COL5A1-Related; EDS I. Identifiers: MedGen C0268335, MONDO:0019567, OMIM 130000.

gnomAD v4.1: 4 of 1,613,970 alleles (0.00025%); highest among the groups gnomAD compares: Non-Finnish European, 0.00034%; no homozygotes.

Submissions (3):

Labcorp Genetics (formerly Invitae), Labcorp
Classification: Uncertain significance for Ehlers-Danlos syndrome, classic type, 1. Last evaluated: 2024-12-19. Review status: criteria provided, single submitter. Criteria: Invitae Variant Classification Sherloc (09022015). Collection method: clinical testing. Allele origin: germline.
Comment: This sequence change replaces glycine, which is neutral and non-polar, with alanine, which is neutral and non-polar, at codon 964 of the COL5A2 protein (p.Gly964Ala). This variant is not present in population databases (gnomAD no frequency). This variant has not been reported in the literature in individuals affected with COL5A2-related conditions. Invitae Evidence Modeling of protein sequence and biophysical properties (such as structural, functional, and spatial information, amino acid conservation, physicochemical variation, residue mobility, and thermodynamic stability) indicates that this missense variant is not expected to disrupt COL5A2 protein function with a negative predictive value of 80%. In summary, the available evidence is currently insufficient to determine the role of this variant in disease. Therefore, it has been classified as a Variant of Uncertain Significance.

GeneDx
Classification: Uncertain significance. Last evaluated: 2024-10-08. Review status: criteria provided, single submitter. Criteria: GeneDx Variant Classification Process June 2021. Collection method: clinical testing. Allele origin: germline. Affected: yes.
Comment: Not observed at significant frequency in large population cohorts (gnomAD); In silico analysis indicates that this missense variant does not alter protein structure/function; Has not been previously published as pathogenic or benign to our knowledge

Mayo Clinic Laboratories, Mayo Clinic
Classification: Uncertain significance. Last evaluated: 2024-05-09. Review status: criteria provided, single submitter. Criteria: ACMG Guidelines, 2015. Collection method: clinical testing. Allele origin: germline. Observed: 1 variant allele.
Comment: PM2